The following is an entry in ClinVar:

ClinVar aggregate classification (germline): Uncertain significance. Review status: criteria provided, single submitter (1 of 4 stars). 2 submissions from 2 submitters: Uncertain significance (1). 1 of the submissions does not count toward it. Last evaluated 2022-10-24.

Conditions:
Blepharophimosis - intellectual disability syndrome, SBBYS type (SBBYSS). Also called: Say-Barber-Biesecker variant of Ohdo syndrome (SBBYSS); Say-Barber-Biesecker-Young-Simpson variant of Ohdo Syndrome; Say-Barber-Biesecker Variant of Ohdo Syndrome; Ohdo syndrome, SBBYS variant; SBBYSS syndrome; Say-Barber-Biesecker-Young-Simpson syndrome. Identifiers: Orphanet 3047, MedGen C1863557, MONDO:0011365, OMIM 603736.
Genitopatellar syndrome (GTPTS). Also called: Genitopatellar syndrome (GPS); ABSENT PATELLAE, SCROTAL HYPOPLASIA, RENAL ANOMALIES, FACIAL DYSMORPHISM, AND MENTAL RETARDATION. Identifiers: Orphanet 85201, MedGen C1853566, MONDO:0011640, OMIM 606170.

Submissions (2):

Labcorp Genetics (formerly Invitae), Labcorp
Classification: Uncertain significance for Genitopatellar syndrome. Last evaluated: 2022-10-24. Review status: criteria provided, single submitter. Criteria: Invitae Variant Classification Sherloc (09022015). Collection method: clinical testing. Allele origin: germline.
Comment: In summary, the available evidence is currently insufficient to determine the role of this variant in disease. Therefore, it has been classified as a Variant of Uncertain Significance. Advanced modeling of protein sequence and biophysical properties (such as structural, functional, and spatial information, amino acid conservation, physicochemical variation, residue mobility, and thermodynamic stability) performed at Invitae indicates that this missense variant is not expected to disrupt KAT6B protein function. ClinVar contains an entry for this variant (Variation ID: 828179). This missense change has been observed in individual(s) with Say-Barber-Biesecker-Young-Simpson syndrome (PMID: 28758091). It has also been observed to segregate with disease in related individuals. This variant is not present in population databases (gnomAD no frequency). This sequence change replaces histidine, which is basic and polar, with tyrosine, which is neutral and polar, at codon 767 of the KAT6B protein (p.His767Tyr).

GeneReviews
No classification provided. Condition: Blepharophimosis - intellectual disability syndrome, SBBYS type. Review status: no classification provided. Collection method: literature only. Allele origin: germline. Not counted in ClinVar's aggregate classification.

Literature cited by the submitters: PubMed 28758091 (cited by Labcorp Genetics (formerly Invitae), Labcorp and GeneReviews); PubMed 23236640 (cited by GeneReviews).

NM_012330.4(KAT6B):c.2299C>T (p.His767Tyr)

Gene: KAT6B (lysine acetyltransferase 6B; plus strand). Cytogenetic location: 10q22.2.
Variant type: single nucleotide variant.
Coding change: c.2299C>T on transcript NM_012330.4 (MANE Select); coding-DNA position 2299, C replaced by T.
Protein change: p.His767Tyr; replaces histidine 767 with tyrosine.
Molecular consequence: missense variant. On other transcripts: intron variant (2).
Genome position (GRCh38, 1-based): chr10:74,981,854, C>T. VCF-style: chr10-74981854-C-T. GRCh37 (hg19) VCF-style: chr10-76741612-C-T.
Other names: c.1750C>T, p.His584Tyr (NM_001256468.2, NM_001370138.1); c.1423C>T, p.His475Tyr (NM_001256469.2, NM_001370132.1, NM_001370139.1 and 3 more transcripts); c.376C>T, p.His126Tyr (NM_001370134.1); c.2299C>T, p.His767Tyr (NM_001370136.1, NM_001370137.1); c.1234C>T, p.His412Tyr (NM_001370143.1, NM_001370144.1); c.847-7165C>T (NM_001370133.1); c.193-7165C>T (NM_001370135.1); short protein forms H126Y, H412Y, H475Y, H584Y, H767Y.
Identifiers: ClinVar variation 828179 (VCV000828179.7), dbSNP rs1589750251, ClinGen allele CA377293005.
Genomic context (GRCh38, chr10:74,981,854, plus strand): 5'-AAGCTTTACCTGTGTGAATTCTGTCTTAAATATATGAAAAGTAAAAATATTTTGCTAAGA[C>T]ACTCCAAGAAGTGTGGATGGTTTCATCCTCCAGCAAATGAAATTTACCGAAGGAAAGACC-3'
Protein context (NP_036462.2, residues 757-777): YMKSKNILLR[His767Tyr]SKKCGWFHPP